The following is an entry in ClinVar:

NM_000666.3(ACY1):c.302A>T (p.Asp101Val)

Genes: ABHD14A-ACY1 (ABHD14A-ACY1 readthrough; plus strand), ACY1 (aminoacylase 1; plus strand). Cytogenetic location: 3p21.2.
Variant type: single nucleotide variant.
Coding change: c.302A>T on transcript NM_000666.3 (MANE Select); coding-DNA position 302, A replaced by T.
Protein change: p.Asp101Val; replaces aspartic acid 101 with valine.
Molecular consequence: missense variant.
Genome position (GRCh38, 1-based): chr3:51,985,889, A>T. VCF-style: chr3-51985889-A-T. GRCh37 (hg19) VCF-style: chr3-52019905-A-T.
Other names: c.572A>T, p.Asp191Val (NM_001316331.2); c.302A>T, p.Asp101Val (NM_001198895.2, NM_001198896.2, NM_001198897.2); c.197A>T, p.Asp66Val (NM_001198898.2); short protein forms D66V, D191V, D101V.
Identifiers: ClinVar variation 3663428 (VCV003663428.2).

ClinVar aggregate classification (germline): Uncertain significance (1 of 4 stars; one submission).

Submission:

Labcorp Genetics (formerly Invitae), Labcorp
Classification: Uncertain significance. Last evaluated: 2024-10-02. Review status: criteria provided, single submitter. Criteria: Invitae Variant Classification Sherloc (09022015). Collection method: clinical testing. Allele origin: germline.
Comment: This sequence change replaces aspartic acid, which is acidic and polar, with valine, which is neutral and non-polar, at codon 101 of the ACY1 protein (p.Asp101Val). This variant is not present in population databases (gnomAD no frequency). This variant has not been reported in the literature in individuals affected with ACY1-related conditions. An algorithm developed to predict the effect of missense changes on protein structure and function (PolyPhen-2) suggests that this variant is likely to be disruptive. In summary, the available evidence is currently insufficient to determine the role of this variant in disease. Therefore, it has been classified as a Variant of Uncertain Significance.